The following is an entry in ClinVar:

ClinVar aggregate classification (germline): Uncertain significance. Review status: criteria provided, multiple submitters, no conflicts (2 of 4 stars). 3 submissions from 3 submitters: Uncertain significance (3). Last evaluated 2024-10-22.

Conditions:
Inborn genetic diseases. Identifiers: MedGen C0950123, MeSH D030342.

Allele frequency attached by ClinVar (database versions not stated): TOPMed below 0.00001.
gnomAD v4.1: 10 of 1,565,552 alleles (0.00064%); highest among the groups gnomAD compares: African/African-American, 0.0014%; no homozygotes.

Submissions (3):

Blueprint Genetics
Classification: Uncertain significance. Last evaluated: 2024-10-22. Review status: criteria provided, single submitter. Criteria: ACMG Guidelines, 2015. Collection method: clinical testing. Allele origin: germline.

Ambry Genetics
Classification: Uncertain significance for Inborn genetic diseases. Last evaluated: 2024-01-30. Review status: criteria provided, single submitter. Criteria: Ambry Variant Classification Scheme 2023. Collection method: clinical testing. Allele origin: germline.

Labcorp Genetics (formerly Invitae), Labcorp
Classification: Uncertain significance. Last evaluated: 2022-08-23. Review status: criteria provided, single submitter. Criteria: Invitae Variant Classification Sherloc (09022015). Collection method: clinical testing. Allele origin: germline.
Comment: This sequence change replaces methionine, which is neutral and non-polar, with valine, which is neutral and non-polar, at codon 6206 of the ADGRV1 protein (p.Met6206Val). This variant is not present in population databases (gnomAD no frequency). This variant has not been reported in the literature in individuals affected with ADGRV1-related conditions. ClinVar contains an entry for this variant (Variation ID: 1440930). Algorithms developed to predict the effect of missense changes on protein structure and function output the following: SIFT: "Deleterious"; PolyPhen-2: "Benign"; Align-GVGD: "Class C0". The valine amino acid residue is found in multiple mammalian species, which suggests that this missense change does not adversely affect protein function. In summary, the available evidence is currently insufficient to determine the role of this variant in disease. Therefore, it has been classified as a Variant of Uncertain Significance.

NM_032119.4(ADGRV1):c.18616A>G (p.Met6206Val)

Gene: ADGRV1 (adhesion G protein-coupled receptor V1; plus strand). Cytogenetic location: 5q14.3.
Variant type: single nucleotide variant.
Coding change: c.18616A>G on transcript NM_032119.4 (MANE Select); coding-DNA position 18616, A replaced by G.
Protein change: p.Met6206Val; replaces methionine 6206 with valine.
Molecular consequence: missense variant. On other transcripts: non-coding transcript variant (1).
Genome position (GRCh38, 1-based): chr5:91,150,213, A>G. VCF-style: chr5-91150213-A-G. GRCh37 (hg19) VCF-style: chr5-90446030-A-G.
Other names: c.18616A>G (NM_032119.3); short protein forms M6206V.
Identifiers: ClinVar variation 1440930 (VCV001440930.5), dbSNP rs756136066, ClinGen allele CA360432393.